The following is an entry in ClinVar:

ClinVar aggregate classification (germline): Likely benign. Review status: criteria provided, multiple submitters, no conflicts (2 of 4 stars). 4 submissions from 4 submitters: Likely benign (2). 2 of the submissions do not count toward it. Last evaluated 2026-01-01.

Allele frequency attached by ClinVar (database versions not stated): 1000 Genomes Project 30x 0.00109; 1000 Genomes Project 0.00120; TOPMed 0.00131; gnomAD 0.00150; gnomAD exomes 0.00157 and 0.00258; ESP Exome Variant Server 0.00169; ExAC 0.00191.
gnomAD v4.1: 3,953 of 1,610,400 alleles (0.25%); highest among the groups gnomAD compares: Non-Finnish European, 0.31%; 8 homozygotes.

Submissions (8):

CeGaT Center for Human Genetics Tuebingen
Classification: Likely benign. Last evaluated: 2026-01-01. Review status: criteria provided, single submitter. Criteria: CeGaT Center For Human Genetics Tuebingen Variant Classification Criteria Version 2. Collection method: clinical testing. Allele origin: germline. Affected: yes. Observed: 1 variant allele.
Comment: PRKAR1B: BP4, BS1

Mayo Clinic Laboratories, Mayo Clinic
Classification: Likely benign. Last evaluated: 2025-09-22. Review status: criteria provided, single submitter. Criteria: ACMG Guidelines, 2015. Collection method: clinical testing. Allele origin: germline. Observed: 5 variant alleles.
Comment: BS2, BP4, BP7

Clinical Genetics DNA and cytogenetics Diagnostics Lab, Erasmus MC, Erasmus Medical Center
Classification: Likely benign. Review status: no assertion criteria provided. Collection method: clinical testing. Allele origin: germline. Affected: yes. Study: VKGL Data-share Consensus. Not counted in ClinVar's aggregate classification.

Dr. Peter K. Rogan Lab, Western University
No classification provided (evidence only). Condition: Acute myeloid leukemia. Review status: no classification provided. Collection method: in vitro. Allele origin: not applicable. Functional consequence: retained intron. Not counted in ClinVar's aggregate classification.

Dr. Peter K. Rogan Lab, Western University
No classification provided (evidence only). Condition: Cervical cancer. Review status: no classification provided. Collection method: in vitro. Allele origin: not applicable. Functional consequence: skipped exon. Not counted in ClinVar's aggregate classification.

Dr. Peter K. Rogan Lab, Western University
No classification provided (evidence only). Condition: Cervical cancer. Review status: no classification provided. Collection method: in vitro. Allele origin: not applicable. Functional consequence: retained intron. Not counted in ClinVar's aggregate classification.

Dr. Peter K. Rogan Lab, Western University
No classification provided (evidence only). Condition: Malignant tumor of esophagus. Review status: no classification provided. Collection method: in vitro. Allele origin: not applicable. Functional consequence: retained intron. Not counted in ClinVar's aggregate classification.

Genome Diagnostics Laboratory, Amsterdam University Medical Center
Classification: Likely benign. Review status: no assertion criteria provided. Collection method: clinical testing. Allele origin: germline. Affected: yes. Study: VKGL Data-share Consensus. Not counted in ClinVar's aggregate classification.

Literature cited by the submitters: PubMed 25108559 (cited by Mayo Clinic Laboratories, Mayo Clinic).

NM_001164760.2(PRKAR1B):c.708+6T>C

Gene: PRKAR1B (protein kinase cAMP-dependent type I regulatory subunit beta; minus strand). Cytogenetic location: 7p22.3.
Variant type: single nucleotide variant.
Coding change: c.708+6T>C on transcript NM_001164760.2 (MANE Select); 6 bases into the intron after coding-DNA position 708, T replaced by C.
Molecular consequence: intron variant.
Genome position (GRCh38, 1-based): chr7:596,140, A>G on the plus strand (T>C on the coding strand, the complement: PRKAR1B is on the minus strand). VCF-style: chr7-596140-A-G. GRCh37 (hg19) VCF-style: chr7-635777-A-G.
Other names: NC_000007.13:g.635777A>G; p.?; c.708+6T>C (NM_001164759.1, NM_001164758.2, NM_001164761.2 and 3 more transcripts).
Identifiers: ClinVar variation 1209983 (VCV001209983.8), dbSNP rs74939612, ClinGen allele CA4110014.
Genomic context (GRCh38, chr7:596,140, plus strand): 5'-AGGGTTCCCAGGGACGCCTGGCCAAGGGTGGGTGTTGGCCTTCTCTGTGCTTGGGCACCA[A>G]CTCACCATAAGGATGCGCCGGTAGCTGTCCCGGTCGATCCCCCAGAGCTTGAGGTCCGTC-3'